The following is an entry in ClinVar:

ClinVar aggregate classification (germline): Uncertain significance (1 of 4 stars; one submission).

Conditions:
Inborn genetic diseases. Identifiers: MedGen C0950123, MeSH D030342.

gnomAD v4.1: 1 of 1,613,378 alleles (0.000062%); highest among the groups gnomAD compares: African/African-American, 0.0013%; no homozygotes.

Submission:

Ambry Genetics
Classification: Uncertain significance for Inborn genetic diseases. Last evaluated: 2025-11-30. Review status: criteria provided, single submitter. Criteria: Ambry Variant Classification Scheme 2023. Collection method: clinical testing. Allele origin: germline.
Comment: The p.K270N variant (also known as c.810G>C), located in coding exon 1 of the SAMD9L gene, results from a G to C substitution at nucleotide position 810. The lysine at codon 270 is replaced by asparagine, an amino acid with similar properties. This amino acid position is conserved. In addition, this alteration is predicted to be tolerated by in silico analysis. Based on the available evidence, the clinical significance of this variant remains unclear.

NM_152703.5(SAMD9L):c.810G>C (p.Lys270Asn)

Gene: SAMD9L (sterile alpha motif domain containing 9 like; minus strand). Cytogenetic location: 7q21.2.
Variant type: single nucleotide variant.
Coding change: c.810G>C on transcript NM_152703.5 (MANE Select); coding-DNA position 810, G replaced by C.
Protein change: p.Lys270Asn; replaces lysine 270 with asparagine.
Molecular consequence: missense variant.
Genome position (GRCh38, 1-based): chr7:93,135,162, C>G on the plus strand (G>C on the coding strand, the complement: SAMD9L is on the minus strand). VCF-style: chr7-93135162-C-G. GRCh37 (hg19) VCF-style: chr7-92764475-C-G.
Other names: c.810G>C, p.Lys270Asn (NM_001303496.3, NM_001303497.3, NM_001303498.3 and 5 more transcripts); short protein forms K270N.
Identifiers: ClinVar variation 4630151 (VCV004630151.1).